The following is an entry in ClinVar:

NM_001349253.2(SCN11A):c.4396C>T (p.Arg1466Cys)

Gene: SCN11A (sodium voltage-gated channel alpha subunit 11; minus strand). Cytogenetic location: 3p22.2.
Variant type: single nucleotide variant.
Coding change: c.4396C>T on transcript NM_001349253.2 (MANE Select); coding-DNA position 4396, C replaced by T.
Protein change: p.Arg1466Cys; replaces arginine 1466 with cysteine.
Molecular consequence: missense variant.
Genome position (GRCh38, 1-based): chr3:38,847,674, G>A on the plus strand (C>T on the coding strand, the complement: SCN11A is on the minus strand). VCF-style: chr3-38847674-G-A. GRCh37 (hg19) VCF-style: chr3-38889165-G-A.
Other names: c.4396C>T, p.Arg1466Cys (NM_014139.3); short protein forms R1466C.
Identifiers: ClinVar variation 3753169 (VCV003753169.2).

ClinVar aggregate classification (germline): Uncertain significance (1 of 4 stars; one submission).

Conditions:
Hereditary sensory and autonomic neuropathy type 7. Also called: HSAN VII; Neuropathy, hereditary sensory and autonomic, type VII. Identifiers: Orphanet 391397, MedGen C3809882, MONDO:0014244, OMIM 615548.
Familial episodic pain syndrome with predominantly lower limb involvement. Also called: Episodic pain syndrome, familial, 3. Identifiers: Orphanet 391384, Orphanet 391392, MedGen C3809899, MONDO:0014247, OMIM 615552.

gnomAD v4.1: 21 of 1,613,504 alleles (0.0013%); highest among the groups gnomAD compares: Middle Eastern, 0.033%; no homozygotes.

Submission:

Labcorp Genetics (formerly Invitae), Labcorp
Classification: Uncertain significance for Familial episodic pain syndrome with predominantly lower limb involvement; Hereditary sensory and autonomic neuropathy type 7. Last evaluated: 2024-03-28. Review status: criteria provided, single submitter. Criteria: Invitae Variant Classification Sherloc (09022015). Collection method: clinical testing. Allele origin: germline.
Comment: This sequence change replaces arginine, which is basic and polar, with cysteine, which is neutral and slightly polar, at codon 1466 of the SCN11A protein (p.Arg1466Cys). This variant is present in population databases (no rsID available, gnomAD 0.01%). This variant has not been reported in the literature in individuals affected with SCN11A-related conditions. Advanced modeling of protein sequence and biophysical properties (such as structural, functional, and spatial information, amino acid conservation, physicochemical variation, residue mobility, and thermodynamic stability) performed at Invitae indicates that this missense variant is expected to disrupt SCN11A protein function with a positive predictive value of 80%. In summary, the available evidence is currently insufficient to determine the role of this variant in disease. Therefore, it has been classified as a Variant of Uncertain Significance.